The following is an entry in ClinVar:

NM_014844.5(TECPR2):c.949C>T (p.Gln317Ter)

Gene: TECPR2 (tectonin beta-propeller repeat containing 2; plus strand). Cytogenetic location: 14q32.31.
Variant type: single nucleotide variant.
Coding change: c.949C>T on transcript NM_014844.5 (MANE Select); coding-DNA position 949, C replaced by T.
Protein change: p.Gln317Ter; replaces glutamine 317 with a stop codon.
Molecular consequence: nonsense.
Genome position (GRCh38, 1-based): chr14:102,425,289, C>T. VCF-style: chr14-102425289-C-T. GRCh37 (hg19) VCF-style: chr14-102891626-C-T.
Other names: c.949C>T, p.Gln317Ter (NM_001172631.3); short protein forms Q317*.
Identifiers: ClinVar variation 3700112 (VCV003700112.2).

ClinVar aggregate classification (germline): Pathogenic (1 of 4 stars; one submission).

Conditions:
Hereditary spastic paraplegia 49 (HSAN9). Also called: Spastic paraplegia 49, autosomal recessive; TECPR2-Related Hereditary Sensory and Autonomic Neuropathy with Intellectual Disability; NEUROPATHY, HEREDITARY SENSORY AND AUTONOMIC, TYPE IX, WITH DEVELOPMENTAL DELAY. Identifiers: Orphanet 320385, MedGen C5190860, MONDO:0014016, OMIM 615031.

Submission:

Labcorp Genetics (formerly Invitae), Labcorp
Classification: Pathogenic for Hereditary spastic paraplegia 49. Last evaluated: 2024-07-19. Review status: criteria provided, single submitter. Criteria: Invitae Variant Classification Sherloc (09022015). Collection method: clinical testing. Allele origin: germline.
Comment: This sequence change creates a premature translational stop signal (p.Gln317*) in the TECPR2 gene. It is expected to result in an absent or disrupted protein product. Loss-of-function variants in TECPR2 are known to be pathogenic (PMID: 23176824, 25590979). This variant is not present in population databases (gnomAD no frequency). This variant has not been reported in the literature in individuals affected with TECPR2-related conditions. For these reasons, this variant has been classified as Pathogenic.

Literature cited by the submitters: PubMed 23176824; PubMed 25590979.